The following is an entry in ClinVar:

NM_001348323.3(TRIP12):c.5188G>A (p.Val1730Ile)

Gene: TRIP12 (thyroid hormone receptor interactor 12; minus strand). Cytogenetic location: 2q36.3.
Variant type: single nucleotide variant.
Coding change: c.5188G>A on transcript NM_001348323.3 (MANE Select); coding-DNA position 5188, G replaced by A.
Protein change: p.Val1730Ile; replaces valine 1730 with isoleucine.
Molecular consequence: missense variant.
Genome position (GRCh38, 1-based): chr2:229,778,897, C>T on the plus strand (G>A on the coding strand, the complement: TRIP12 is on the minus strand). VCF-style: chr2-229778897-C-T. GRCh37 (hg19) VCF-style: chr2-230643613-C-T.
Other names: c.5107G>A, p.Val1703Ile (NM_001284214.2, NM_001348315.2); c.5062G>A, p.Val1688Ile (NM_001284215.2, NM_001348316.2); c.4153G>A, p.Val1385Ile (NM_001284216.2); c.5047G>A, p.Val1683Ile (NM_001348317.1, NM_001348318.2); c.5173G>A, p.Val1725Ile (NM_001348319.1, NM_001348320.2); c.5176G>A, p.Val1726Ile (NM_001348321.1); c.5188G>A, p.Val1730Ile (NM_001348322.1, NM_001348324.2, NM_001348325.2 and 2 more transcripts); c.5191G>A, p.Val1731Ile (NM_001348328.1, NM_001348329.2, NM_001348330.2); and 4 more; short protein forms V1385I, V1655I, V1656I, V1683I, V1688I, V1696I, V1703I, V1704I.
Identifiers: ClinVar variation 2580384 (VCV002580384.1), dbSNP rs2470374830, ClinGen allele CA350888974.

ClinVar aggregate classification (germline): Uncertain significance (1 of 4 stars; one submission).

Submission:

GeneDx
Classification: Uncertain significance. Last evaluated: 2023-03-20. Review status: criteria provided, single submitter. Criteria: GeneDx Variant Classification Process June 2021. Collection method: clinical testing. Allele origin: germline. Affected: yes.
Comment: Not observed at significant frequency in large population cohorts (gnomAD); In silico analysis supports that this missense variant does not alter protein structure/function; Has not been previously published as pathogenic or benign to our knowledge